The following is an entry in ClinVar:

ClinVar aggregate classification (germline): Conflicting classifications of pathogenicity. Review status: criteria provided, conflicting classifications (1 of 4 stars). 3 submissions from 2 submitters: Likely pathogenic (1); Uncertain significance (2). Last evaluated 2018-01-13.

Conditions:
Childhood-onset schizophrenia. Also called: Childhood schizophrenia. Identifiers: Orphanet 641496, MedGen C0036346, MONDO:0957430.
Schwartz-Jampel syndrome. Also called: Myotonic myopathy dwarfism chondrodystrophy and ocular and facial abnormalities. Identifiers: Orphanet 800, MedGen C0036391, MONDO:0009717.
Lethal Kniest-like syndrome (DDSH). Also called: Dyssegmental Dysplasia. Identifiers: Orphanet 1865, MedGen C1857100, MONDO:0009140, OMIM 224410.

Allele frequency attached by ClinVar (database versions not stated): ExAC 0.00001; gnomAD 0.00001 and 0.00002; gnomAD exomes 0.00001 and 0.00003; TOPMed 0.00002.
gnomAD v4.1: 16 of 1,613,344 alleles (0.00099%); highest among the groups gnomAD compares: Admixed American, 0.013%; no homozygotes.

Submissions (3):

Illumina Laboratory Services, Illumina
Classification: Uncertain significance for Lethal Kniest-like syndrome. Last evaluated: 2018-01-13. Review status: criteria provided, single submitter. Criteria: ICSL Variant Classification Criteria 13 December 2019. Collection method: clinical testing. Allele origin: germline.

Illumina Laboratory Services, Illumina
Classification: Uncertain significance for Schwartz-Jampel syndrome type 1. Last evaluated: 2018-01-13. Review status: criteria provided, single submitter. Criteria: ICSL Variant Classification Criteria 13 December 2019. Collection method: clinical testing. Allele origin: germline.

Dr. Guy Rouleau's laboratory, McGill University
Classification: Likely pathogenic for Childhood Onset Schizophrenia. Last evaluated: 2014-01-01. Review status: criteria provided, single submitter. Criteria: Submitter's publication. Collection method: research. Allele origin: de novo. Affected: yes. Observed: 1 variant allele.
Comment: Identified by next generation sequencing and validated by Sanger sequencing

NM_005529.7(HSPG2):c.4233C>T (p.Tyr1411=)

Gene: HSPG2 (heparan sulfate proteoglycan 2; minus strand). Cytogenetic location: 1p36.12.
Variant type: single nucleotide variant.
Coding change: c.4233C>T on transcript NM_005529.7 (MANE Select); coding-DNA position 4233, C replaced by T.
Protein change: p.Tyr1411=; no amino-acid change (tyrosine 1411 retained).
Molecular consequence: synonymous variant.
Genome position (GRCh38, 1-based): chr1:21,865,798, G>A on the plus strand (C>T on the coding strand, the complement: HSPG2 is on the minus strand). VCF-style: chr1-21865798-G-A. GRCh37 (hg19) VCF-style: chr1-22192291-G-A.
Other names: c.4236C>T, p.Tyr1412= (NM_001291860.2).
Identifiers: ClinVar variation 208389 (VCV000208389.7), dbSNP rs745452577, ClinGen allele CA210461.